The following is an entry in ClinVar:

NM_080911.3(UNG):c.769T>C (p.Tyr257His)

Gene: UNG (uracil DNA glycosylase; plus strand). Cytogenetic location: 12q24.11.
Variant type: single nucleotide variant.
Coding change: c.769T>C on transcript NM_080911.3 (MANE Select); coding-DNA position 769, T replaced by C.
Protein change: p.Tyr257His; replaces tyrosine 257 with histidine.
Molecular consequence: missense variant.
Genome position (GRCh38, 1-based): chr12:109,103,579, T>C. VCF-style: chr12-109103579-T-C. GRCh37 (hg19) VCF-style: chr12-109541384-T-C.
Other names: c.742T>C, p.Tyr248His (NM_003362.4); short protein forms Y257H, Y248H.
Identifiers: ClinVar variation 306978 (VCV000306978.11), dbSNP rs769188214, ClinGen allele CA6772755.

ClinVar aggregate classification (germline): Uncertain significance. Review status: criteria provided, multiple submitters, no conflicts (2 of 4 stars). 4 submissions from 4 submitters: Uncertain significance (4). Last evaluated 2023-12-11.

Conditions:
Hyper-IgM syndrome type 5 (HIGM5). Also called: Hyper-IgM Immunodeficiency Syndrome, Type 5. Identifiers: Orphanet 101092, MedGen C1720958, MONDO:0011971, OMIM 608106.

Allele frequency attached by ClinVar (database versions not stated): TOPMed below 0.00001; gnomAD exomes 0.00001 and 0.00002; ExAC 0.00003.
gnomAD v4.1: 4 of 1,613,974 alleles (0.00025%); highest among the groups gnomAD compares: East Asian, 0.0089%; no homozygotes.

Submissions (4):

Labcorp Genetics (formerly Invitae), Labcorp
Classification: Uncertain significance for Hyper-IgM syndrome type 5. Last evaluated: 2023-12-11. Review status: criteria provided, single submitter. Criteria: Invitae Variant Classification Sherloc (09022015). Collection method: clinical testing. Allele origin: germline.
Comment: This sequence change replaces tyrosine, which is neutral and polar, with histidine, which is basic and polar, at codon 257 of the UNG protein (p.Tyr257His). This variant is present in population databases (rs769188214, gnomAD 0.03%). This variant has not been reported in the literature in individuals affected with UNG-related conditions. ClinVar contains an entry for this variant (Variation ID: 306978). Advanced modeling of protein sequence and biophysical properties (such as structural, functional, and spatial information, amino acid conservation, physicochemical variation, residue mobility, and thermodynamic stability) performed at Invitae indicates that this missense variant is not expected to disrupt UNG protein function with a negative predictive value of 80%. In summary, the available evidence is currently insufficient to determine the role of this variant in disease. Therefore, it has been classified as a Variant of Uncertain Significance.

Ambry Genetics
Classification: Uncertain significance. Last evaluated: 2023-11-09. Review status: criteria provided, single submitter. Criteria: Ambry Variant Classification Scheme 2023. Collection method: clinical testing. Allele origin: germline.

Illumina Laboratory Services, Illumina
Classification: Uncertain significance for Hyper-IgM syndrome type 5. Last evaluated: 2018-01-13. Review status: criteria provided, single submitter. Criteria: ICSL Variant Classification Criteria 13 December 2019. Collection method: clinical testing. Allele origin: germline.

GeneDx
Classification: Uncertain significance. Last evaluated: 2017-07-07. Review status: criteria provided, single submitter. Criteria: GeneDx Variant Classification (06012015). Collection method: clinical testing. Allele origin: germline. Affected: yes.
Comment: The Y257H variant in the UNG gene has not been reported previously as a pathogenic variant, nor as a benign variant, to our knowledge. The Y257H variant is not observed at a significant frequency in large population cohorts (Lek et al., 2016; 1000 Genomes Consortium et al., 2015; Exome Variant Server). The Y257H variant is a non-conservative amino acid substitution, which is likely to impact secondary protein structure as these residues differ in polarity, charge, size and/or other properties. This substitution occurs at a position that is conserved across species. In silico analysis predicts this variant is probably damaging to the protein structure/function. We interpret Y257H as a variant of uncertain significance.